The following is an entry in ClinVar:

NM_000051.4(ATM):c.7182A>G (p.Ser2394=)

Genes: ATM (ATM serine/threonine kinase; plus strand), C11orf65 (chromosome 11 open reading frame 65; minus strand). Cytogenetic location: 11q22.3.
Variant type: single nucleotide variant.
Coding change: c.7182A>G on transcript NM_000051.4 (MANE Select); coding-DNA position 7182, A replaced by G.
Protein change: p.Ser2394=; no amino-acid change (serine 2394 retained).
Molecular consequence: synonymous variant. On other transcripts: intron variant (2).
Genome position (GRCh38, 1-based): chr11:108,329,113, A>G. VCF-style: chr11-108329113-A-G. GRCh37 (hg19) VCF-style: chr11-108199840-A-G.
Other names: c.7182A>G, p.Ser2394= (NM_001351834.2); c.641-20042T>C (NM_001330368.2); c.*38+6107T>C (NM_001351110.2).
Identifiers: ClinVar variation 1157035 (VCV001157035.12), dbSNP rs976994998, ClinGen allele CA476676715.

ClinVar aggregate classification (germline): Benign/Likely benign. Review status: criteria provided, multiple submitters, no conflicts (2 of 4 stars). 3 submissions from 3 submitters: Benign (1); Likely benign (2). Last evaluated 2025-11-24.

Conditions:
Familial cancer of breast. Also called: Hereditary breast cancer; hereditary breast carcinoma; BREAST CANCER, FAMILIAL. Identifiers: Orphanet 227535, MedGen C0346153, MONDO:0016419, OMIM 114480. Disease mechanism: loss of function.
Hereditary cancer-predisposing syndrome. Also called: Neoplastic Syndromes, Hereditary; Tumor predisposition; Hereditary Cancer Syndrome; Hereditary neoplastic syndrome. Identifiers: Orphanet 140162, MedGen C0027672, MeSH D009386, MONDO:0015356.
Ataxia-telangiectasia syndrome (AT). Also called: Ataxia telangiectasia (A-T); ATAXIA-TELANGIECTASIA, COMPLEMENTATION GROUP A; ATAXIA-TELANGIECTASIA, FRESNO VARIANT; Ataxia-telangiectasia; Ataxia-telangiectasia, complementation group E; LOUIS-BAR SYNDROME. Identifiers: Orphanet 100, MedGen C0004135, MONDO:0008840, OMIM 208900.

Allele frequency attached by ClinVar (database versions not stated): gnomAD exomes below 0.00001.
gnomAD v4.1: 1 of 1,614,138 alleles (0.000062%); highest among the groups gnomAD compares: Non-Finnish European, 0.000085%; no homozygotes.

Submissions (3):

Labcorp Genetics (formerly Invitae), Labcorp
Classification: Likely benign for Ataxia-telangiectasia syndrome. Last evaluated: 2025-11-24. Review status: criteria provided, single submitter. Criteria: Invitae Variant Classification Sherloc (09022015). Collection method: clinical testing. Allele origin: germline.

Myriad Genetics, Inc.
Classification: Benign for Familial cancer of breast. Last evaluated: 2024-06-13. Review status: criteria provided, single submitter. Criteria: Myriad Autosomal Dominant, Autosomal Recessive and X-Linked Classification Criteria (2023). Collection method: clinical testing. Allele origin: unknown.
Comment: This variant is considered benign. This variant is a silent/synonymous amino acid change and it is not expected to impact splicing.

Ambry Genetics
Classification: Likely benign for Hereditary cancer-predisposing syndrome. Last evaluated: 2021-06-20. Review status: criteria provided, single submitter. Criteria: Ambry Variant Classification Scheme 2023. Collection method: clinical testing. Allele origin: germline.